The following is an entry in ClinVar:

NM_033056.4(PCDH15):c.4466C>G (p.Thr1489Ser)

Gene: PCDH15 (protocadherin related 15; minus strand). Cytogenetic location: 10q21.1.
Variant type: single nucleotide variant.
Coding change: c.4466C>G on transcript NM_033056.4 (MANE Plus Clinical); coding-DNA position 4466, C replaced by G.
Protein change: p.Thr1489Ser; replaces threonine 1489 with serine.
Molecular consequence: missense variant. On other transcripts: intron variant (8).
Genome position (GRCh38, 1-based): chr10:53,823,260, G>C on the plus strand (C>G on the coding strand, the complement: PCDH15 is on the minus strand). VCF-style: chr10-53823260-G-C. GRCh37 (hg19) VCF-style: chr10-55583020-G-C.
Other names: c.4487C>G, p.Thr1496Ser (NM_001142763.2); c.4472C>G, p.Thr1491Ser (NM_001142764.2); c.4259C>G, p.Thr1420Ser (NM_001142765.2); c.4457C>G, p.Thr1486Ser (NM_001142766.2); c.4346C>G, p.Thr1449Ser (NM_001142767.2); c.4406C>G, p.Thr1469Ser (NM_001142768.2); c.4397C>G, p.Thr1466Ser (NM_001142773.2); c.4400C>G, p.Thr1467Ser (NM_001354404.2); and 6 more; short protein forms T1420S, T1449S, T1466S, T1467S, T1469S, T1486S, T1489S, T1491S.
Identifiers: ClinVar variation 2419982 (VCV002419982.3), dbSNP rs571755362, ClinGen allele CA5505275.

ClinVar aggregate classification (germline): Uncertain significance (1 of 4 stars; one submission).

Allele frequency attached by ClinVar (database versions not stated): 1000 Genomes Project 0.00020; ExAC 0.00001; 1000 Genomes Project 30x 0.00016.
gnomAD v4.1: 6 of 1,613,962 alleles (0.00037%); highest among the groups gnomAD compares: South Asian, 0.0055%; no homozygotes.

Submission:

Labcorp Genetics (formerly Invitae), Labcorp
Classification: Uncertain significance. Last evaluated: 2021-08-31. Review status: criteria provided, single submitter. Criteria: Invitae Variant Classification Sherloc (09022015). Collection method: clinical testing. Allele origin: germline.
Comment: This sequence change replaces threonine with serine at codon 1489 of the PCDH15 protein (p.Thr1489Ser). The threonine residue is moderately conserved and there is a small physicochemical difference between threonine and serine. This variant is present in population databases (rs571755362, ExAC 0.006%). This variant has not been reported in the literature in individuals affected with PCDH15-related conditions. Algorithms developed to predict the effect of missense changes on protein structure and function output the following: SIFT: "Tolerated"; PolyPhen-2: "Benign"; Align-GVGD: "Class C0". The serine amino acid residue is found in multiple mammalian species, which suggests that this missense change does not adversely affect protein function. Algorithms developed to predict the effect of sequence changes on RNA splicing suggest that this variant may create or strengthen a splice site. In summary, the available evidence is currently insufficient to determine the role of this variant in disease. Therefore, it has been classified as a Variant of Uncertain Significance.